The following is an entry in ClinVar:

ClinVar aggregate classification (germline): Likely pathogenic (1 of 4 stars; one submission).

Conditions:
Dyskeratosis congenita, autosomal dominant 2. Identifiers: MedGen C3151443, MONDO:0013521, OMIM 613989.
Idiopathic Pulmonary Fibrosis. Also called: Idiopathic fibrosing alveolitis, chronic form; idiopathic fibrosing alveolitis. Identifiers: Orphanet 2032, MedGen C1800706, MeSH D054990, MONDO:0800504.

Submission:

Labcorp Genetics (formerly Invitae), Labcorp
Classification: Likely pathogenic for Dyskeratosis congenita, autosomal dominant 2; Idiopathic Pulmonary Fibrosis. Last evaluated: 2022-08-16. Review status: criteria provided, single submitter. Criteria: Invitae Variant Classification Sherloc (09022015). Collection method: clinical testing. Allele origin: germline.
Comment: This sequence change affects a donor splice site in intron 12 of the TERT gene. It is expected to disrupt RNA splicing. Variants that disrupt the donor or acceptor splice site typically lead to a loss of protein function (PMID: 16199547), and loss-of-function variants in TERT are known to be pathogenic (PMID: 16247010, 17460043). This variant is not present in population databases (gnomAD no frequency). In summary, the currently available evidence indicates that the variant is pathogenic, but additional data are needed to prove that conclusively. Therefore, this variant has been classified as Likely Pathogenic. Algorithms developed to predict the effect of sequence changes on RNA splicing suggest that this variant may disrupt the consensus splice site. ClinVar contains an entry for this variant (Variation ID: 1067497). This variant has not been reported in the literature in individuals affected with TERT-related conditions.

Literature cited by the submitters: PubMed 16199547; PubMed 16247010; PubMed 17460043.

NM_198253.3(TERT):c.2970+2T>G

Gene: TERT (telomerase reverse transcriptase; minus strand). Cytogenetic location: 5p15.33.
Variant type: single nucleotide variant.
Coding change: c.2970+2T>G on transcript NM_198253.3 (MANE Select); the canonical splice donor site of the intron after coding-DNA position 2970, T replaced by G.
Molecular consequence: splice donor variant.
Genome position (GRCh38, 1-based): chr5:1,260,472, A>C on the plus strand (T>G on the coding strand, the complement: TERT is on the minus strand). VCF-style: chr5-1260472-A-C. GRCh37 (hg19) VCF-style: chr5-1260587-A-C.
Other names: c.2781+2T>G (NM_001193376.3).
Identifiers: ClinVar variation 1067497 (VCV001067497.7), dbSNP rs2126584187, ClinGen allele CA359069531.